The following is an entry in ClinVar:

NM_004380.3(CREBBP):c.2225G>C (p.Arg742Pro)

Gene: CREBBP (CREB binding lysine acetyltransferase; minus strand). Cytogenetic location: 16p13.3.
Variant type: single nucleotide variant.
Coding change: c.2225G>C on transcript NM_004380.3 (MANE Select); coding-DNA position 2225, G replaced by C.
Protein change: p.Arg742Pro; replaces arginine 742 with proline.
Molecular consequence: missense variant.
Genome position (GRCh38, 1-based): chr16:3,774,627, C>G on the plus strand (G>C on the coding strand, the complement: CREBBP is on the minus strand). VCF-style: chr16-3774627-C-G. GRCh37 (hg19) VCF-style: chr16-3824628-C-G.
Other names: c.2111G>C, p.Arg704Pro (NM_001079846.1); c.2225G>C (NM_004380.2); short protein forms R704P, R742P.
Identifiers: ClinVar variation 1578870 (VCV001578870.26), dbSNP rs748747684, ClinGen allele CA7870208.
Genomic context (GRCh38, chr16:3,774,627, plus strand): 5'-ACCCCTGGCACTGAGCCCATGCTGTTCATCTGGACAGAGTGGTTCATTGGGGAGGCTGCA[C>G]GAGGTCCCATGGGTGCTTGTGGCAACTGGACGTTCCCCAAGGACATGGGGTTAAATGAAT-3'
Protein context (NP_004371.2, residues 732-752): VQLPQAPMGP[Arg742Pro]AASPMNHSVQ

ClinVar aggregate classification (germline): Benign/Likely benign. Review status: criteria provided, multiple submitters, no conflicts (2 of 4 stars). 3 submissions from 3 submitters: Benign (1); Likely benign (1). 1 of the submissions does not count toward it. Last evaluated 2025-07-30.

Conditions:
CREBBP-related disorder. Also called: CREBBP-related disorders; CREBBP-related condition.
Rubinstein-Taybi syndrome (RSTS). Identifiers: Orphanet 783, MedGen C0035934, MONDO:0019188.

Allele frequency attached by ClinVar (database versions not stated): gnomAD 0.00012 and 0.00014; TOPMed 0.00014.
gnomAD v4.1: 187 of 1,614,004 alleles (0.012%); highest among the groups gnomAD compares: Non-Finnish European, 0.0024%; no homozygotes.

Submissions (3):

Labcorp Genetics (formerly Invitae), Labcorp
Classification: Benign for Rubinstein-Taybi syndrome. Last evaluated: 2025-07-30. Review status: criteria provided, single submitter. Criteria: Invitae Variant Classification Sherloc (09022015). Collection method: clinical testing. Allele origin: germline.

CeGaT Center for Human Genetics Tuebingen
Classification: Likely benign. Last evaluated: 2024-07-01. Review status: criteria provided, single submitter. Criteria: CeGaT Center For Human Genetics Tuebingen Variant Classification Criteria Version 2. Collection method: clinical testing. Allele origin: germline. Affected: yes. Observed: 1 variant allele.
Comment: CREBBP: BS2

PreventionGenetics, part of Exact Sciences
Classification: Likely benign for CREBBP-related condition. Last evaluated: 2021-06-30. Review status: no assertion criteria provided. Collection method: clinical testing. Allele origin: germline. Not counted in ClinVar's aggregate classification.
Comment: This variant is classified as likely benign based on ACMG/AMP sequence variant interpretation guidelines (Richards et al. 2015 PMID: 25741868, with internal and published modifications).